The following is an entry in ClinVar:

NM_016169.4(SUFU):c.443T>C (p.Val148Ala)

Gene: SUFU (SUFU negative regulator of hedgehog signaling; plus strand). Cytogenetic location: 10q24.32.
Variant type: single nucleotide variant.
Coding change: c.443T>C on transcript NM_016169.4 (MANE Select); coding-DNA position 443, T replaced by C.
Protein change: p.Val148Ala; replaces valine 148 with alanine.
Molecular consequence: missense variant.
Genome position (GRCh38, 1-based): chr10:102,550,095, T>C. VCF-style: chr10-102550095-T-C. GRCh37 (hg19) VCF-style: chr10-104309852-T-C.
Other names: c.443T>C, p.Val148Ala (NM_001178133.2); short protein forms V148A.
Identifiers: ClinVar variation 3323540 (VCV003323540.1).
Genomic context (GRCh38, chr10:102,550,095, plus strand): 5'-CTGGGGAGTCTGCCCCACCAACATGGCCCGCAGAGTTAATGCAGGGCTTGGCACGATACG[T>C]GTTCCAGTCAGGTAGGAGGCCAGGGCTGGCTGCTGTGCTGGTCCTTTTGCCATGAGCCTG-3'
Protein context (NP_057253.2, residues 138-158): AELMQGLARY[Val148Ala]FQSENTFCSG

ClinVar aggregate classification (germline): Uncertain significance (1 of 4 stars; one submission).

Conditions:
Hereditary cancer-predisposing syndrome. Also called: Neoplastic Syndromes, Hereditary; Tumor predisposition; Hereditary neoplastic syndrome; Hereditary Cancer Syndrome. Identifiers: Orphanet 140162, MedGen C0027672, MeSH D009386, MONDO:0015356.

Submission:

Ambry Genetics
Classification: Uncertain significance for Hereditary cancer-predisposing syndrome. Last evaluated: 2024-03-30. Review status: criteria provided, single submitter. Criteria: Ambry Variant Classification Scheme 2023. Collection method: clinical testing. Allele origin: germline.
Comment: The p.V148A variant (also known as c.443T>C), located in coding exon 3 of the SUFU gene, results from a T to C substitution at nucleotide position 443. The valine at codon 148 is replaced by alanine, an amino acid with similar properties. This amino acid position is conserved. In addition, this alteration is predicted to be deleterious by in silico analysis. Based on the available evidence, the clinical significance of this alteration remains unclear.